The following is an entry in ClinVar:

ClinVar aggregate classification (germline): Likely benign. Review status: criteria provided, multiple submitters, no conflicts (2 of 4 stars). 2 submissions from 2 submitters: Likely benign (2). Last evaluated 2026-08-26.

Conditions:
ANK3-related disorder. Also called: ANK3-related condition.

Allele frequency attached by ClinVar (database versions not stated): gnomAD 0.00004; TOPMed 0.00006.
gnomAD v4.1: 15 of 1,614,054 alleles (0.00093%); highest among the groups gnomAD compares: Admixed American, 0.013%; no homozygotes.

Submissions (2):

PreventionGenetics, part of Exact Sciences
Classification: Likely benign for ANK3-related condition. Last evaluated: 2026-08-26. Review status: criteria provided, single submitter. Criteria: ACMG Guidelines, 2015. Collection method: clinical testing. Allele origin: germline.
Comment: This variant is classified as likely benign based on ACMG/AMP sequence variant interpretation guidelines (Richards et al. 2015 PMID: 25741868, with internal and published modifications).

Labcorp Genetics (formerly Invitae), Labcorp
Classification: Likely benign. Last evaluated: 2025-01-27. Review status: criteria provided, single submitter. Criteria: Invitae Variant Classification Sherloc (09022015). Collection method: clinical testing. Allele origin: germline.

NM_020987.5(ANK3):c.3504G>A (p.Glu1168=)

Gene: ANK3 (ankyrin 3; minus strand). Cytogenetic location: 10q21.2.
Variant type: single nucleotide variant.
Coding change: c.3504G>A on transcript NM_020987.5 (MANE Select); coding-DNA position 3504, G replaced by A.
Protein change: p.Glu1168=; no amino-acid change (glutamic acid 1168 retained).
Molecular consequence: synonymous variant.
Genome position (GRCh38, 1-based): chr10:60,088,183, C>T on the plus strand (G>A on the coding strand, the complement: ANK3 is on the minus strand). VCF-style: chr10-60088183-C-T. GRCh37 (hg19) VCF-style: chr10-61847941-C-T.
Other names: c.906G>A, p.Glu302= (NM_001149.4); c.3486G>A, p.Glu1162= (NM_001204403.2); c.3507G>A, p.Glu1169= (NM_001204404.2); c.3504G>A, p.Glu1168= (NM_001320874.2); c.3504G>A (NM_020987.4).
Identifiers: ClinVar variation 1909156 (VCV001909156.6), dbSNP rs987125617, ClinGen allele CA208254285.